The following is an entry in ClinVar:

ClinVar aggregate classification (germline): Benign (1 of 4 stars; one submission).

Allele frequency attached by ClinVar (database versions not stated): gnomAD 0.03211 and 0.03436; TOPMed 0.03609; 1000 Genomes Project 0.03854; 1000 Genomes Project 30x 0.04263.
gnomAD v4.1: 4,841 of 152,338 alleles (3.2%); highest among the groups gnomAD compares: African/African-American, 11%; 271 homozygotes.

Submission:

GeneDx
Classification: Benign. Last evaluated: 2018-06-14. Review status: criteria provided, single submitter. Criteria: GeneDx Variant Classification (06012015). Collection method: clinical testing. Allele origin: germline. Affected: yes.
Comment: This variant is considered likely benign or benign based on one or more of the following criteria: it is a conservative change, it occurs at a poorly conserved position in the protein, it is predicted to be benign by multiple in silico algorithms, and/or has population frequency not consistent with disease.

NM_018006.5(TRMU):c.478+235G>A

Gene: TRMU (tRNA mitochondrial 2-thiouridylase; plus strand). Cytogenetic location: 22q13.31.
Variant type: single nucleotide variant.
Coding change: c.478+235G>A on transcript NM_018006.5 (MANE Select); 235 bases into the intron after coding-DNA position 478, G replaced by A.
Molecular consequence: intron variant.
Genome position (GRCh38, 1-based): chr22:46,346,779, G>A. VCF-style: chr22-46346779-G-A. GRCh37 (hg19) VCF-style: chr22-46742676-G-A.
Other names: c.478+235G>A (NM_001282785.2); c.136+235G>A (NM_001282782.2); c.117+235G>A (NM_001282783.2, NM_001282784.2).
Identifiers: ClinVar variation 684277 (VCV000684277.1), dbSNP rs12160940, ClinGen allele CA14978140.